The following is an entry in ClinVar:

ClinVar aggregate classification (germline): Uncertain significance (1 of 4 stars; one submission).

Submission:

GeneDx
Classification: Uncertain significance. Last evaluated: 2026-02-19. Review status: criteria provided, single submitter. Criteria: GeneDx Variant Classification Process June 2021. Collection method: clinical testing. Allele origin: germline.
Comment: Not observed at significant frequency in large population cohorts (gnomAD); In silico analysis supports that this missense variant has a deleterious effect on protein structure/function; Has not been previously published as pathogenic or benign to our knowledge

NM_001394062.1(MACF1):c.2771C>G (p.Ala924Gly)

Gene: MACF1 (microtubule actin crosslinking factor 1; plus strand). Cytogenetic location: 1p34.3.
Variant type: single nucleotide variant.
Coding change: c.2771C>G on transcript NM_001394062.1 (MANE Select); coding-DNA position 2771, C replaced by G.
Protein change: p.Ala924Gly; replaces alanine 924 with glycine.
Molecular consequence: missense variant.
Genome position (GRCh38, 1-based): chr1:39,303,060, C>G. VCF-style: chr1-39303060-C-G. GRCh37 (hg19) VCF-style: chr1-39768732-C-G.
Other names: c.2786C>G, p.Ala929Gly (NM_012090.5); short protein forms A924G, A929G.
Identifiers: ClinVar variation 4976601 (VCV004976601.1).
Genomic context (GRCh38, chr1:39,303,060, plus strand): 5'-CAGGGAACGAGGCAATGGTGCCGTCAGTCTGCTTCCTCATCCCCCCACCCAATAAGGATG[C>G]CATTGAGATGGCCAGCAGGTAACTTGGCTCAGCTGCCACTGGTACACCCACCTCTGCTGT-3'
Protein context (NP_001380991.1, residues 914-934): CFLIPPPNKD[Ala924Gly]IEMASRVEQS